The following is an entry in ClinVar:

ClinVar aggregate classification (germline): Uncertain significance (1 of 4 stars; one submission).

Conditions:
Hereditary cancer-predisposing syndrome. Also called: Neoplastic Syndromes, Hereditary; Tumor predisposition; Hereditary Cancer Syndrome; Hereditary neoplastic syndrome. Identifiers: Orphanet 140162, MedGen C0027672, MeSH D009386, MONDO:0015356.

Submission:

Ambry Genetics
Classification: Uncertain significance for Hereditary cancer-predisposing syndrome. Last evaluated: 2025-12-29. Review status: criteria provided, single submitter. Criteria: Ambry Variant Classification Scheme 2023. Collection method: clinical testing. Allele origin: germline.
Comment: The p.E1027D variant (also known as c.3081A>T), located in coding exon 13 of the MET gene, results from an A to T substitution at nucleotide position 3081. The glutamic acid at codon 1027 is replaced by aspartic acid, an amino acid with highly similar properties. This amino acid position is highly conserved in available vertebrate species. In addition, this alteration is predicted to be tolerated by in silico analysis. Based on the available evidence, the clinical significance of this variant remains unclear.

NM_000245.4(MET):c.3027A>T (p.Glu1009Asp)

Gene: MET (MET proto-oncogene, receptor tyrosine kinase; plus strand). Cytogenetic location: 7q31.2.
Variant type: single nucleotide variant.
Coding change: c.3027A>T on transcript NM_000245.4 (MANE Select); coding-DNA position 3027, A replaced by T.
Protein change: p.Glu1009Asp; replaces glutamic acid 1009 with aspartic acid.
Molecular consequence: missense variant.
Genome position (GRCh38, 1-based): chr7:116,771,988, A>T. VCF-style: chr7-116771988-A-T. GRCh37 (hg19) VCF-style: chr7-116412042-A-T.
Other names: c.3081A>T, p.Glu1027Asp (NM_001127500.3); c.1737A>T, p.Glu579Asp (NM_001324402.2); short protein forms E1009D, E1027D, E579D.
Identifiers: ClinVar variation 4843758 (VCV004843758.1).
Genomic context (GRCh38, chr7:116,771,988, plus strand): 5'-AAGCCCAACTACAGAAATGGTTTCAAATGAATCTGTAGACTACCGAGCTACTTTTCCAGA[A>T]GGTATATTTCAGTTTATTGTTCTGAGAAATACCTATACATATACCTCAGTGGGTTGTGAC-3'
Protein context (NP_000236.2, residues 999-1019): ESVDYRATFP[Glu1009Asp]DQFPNSSQNG